The following is an entry in ClinVar:

ClinVar aggregate classification (germline): Likely pathogenic. Review status: reviewed by expert panel (3 of 4 stars). 4 submissions from 4 submitters: Likely pathogenic (1). 3 of the submissions do not count toward it. Last evaluated 2026-02-24.

Conditions:
Developmental and epileptic encephalopathy, 11 (DEE11). Also called: Early infantile epileptic encephalopathy 11. Identifiers: Orphanet 1934, MedGen C3150987, MONDO:0013388, OMIM 613721.
Seizures, benign familial infantile, 3 (BFIS3). Also called: Familial neonatal seizures; CONVULSIONS, BENIGN FAMILIAL INFANTILE, 3. Identifiers: Orphanet 140927, Orphanet 306, MedGen C1843140, MONDO:0011904, OMIM 607745.
Complex neurodevelopmental disorder. Identifiers: Orphanet 528084, MedGen C5568766, MONDO:0100038.
Developmental and epileptic encephalopathy. Identifiers: MedGen C5779964, MONDO:0100620.

Submissions (4):

ClinGen Epilepsy Sodium Channel Variant Curation Expert Panel, Clingen
Classification: Likely pathogenic for Complex neurodevelopmental disorder. Last evaluated: 2026-02-24. Review status: reviewed by expert panel. Criteria: ClinGen EpilepsySCN ACMG Specifications SCN2A V2.0.0. Collection method: curation. Allele origin: germline. Inheritance: Autosomal dominant inheritance.
Comment: The c.466A>C variant in SCN2A is a missense variant predicted to cause substitution of Lysine by Glutamine at amino acid 156 (p.Lys156Gln). This variant has been identified in three individuals with complex neurodevelopmental disorder, including one with a de novo occurrence with confirmed parental relationships, one with a de novo occurrence with unconfirmed parental relationships, and one with unknown inheritance (PS2_moderate, PM6_supporting, PS4_supporting; PMID 35431799 and Internal lab contributors). This variant is absent from gnomAD v4.1.0 (PM2_Supporting). The computational predictor REVEL gives a score of 0.905, which is above the threshold of 0.644, evidence that correlates with impact to SCN2A function (PP3_moderate). Another missense variant c.466A>G (p.Lys156Glu) (ClinVar Variation ID 1335404) in the same codon has been classified as likely pathogenic for complex neurodevelopmental disorder by the ClinGen Epilepsy Sodium Channel VCEP (PM5_Supporting). Two different missense variants, c.468G>C (p.Lys156Asn) and c.468G>T (p.Lys156Asn), in the same codon have been previously reported, however, these variants were not considered in this interpretation. In summary, this variant meets the criteria to be classified as Likely Pathogenic for autosomal dominant complex neurodevelopmental disorder based on the ACMG/AMP criteria applied, as specified by the ClinGen Epilepsy Sodium Channel VCEP: PP3_moderate, PS2_moderate, PM2_supporting, PM5_supporting, PM6_supporting, PS4_supporting. (Version 2.0.0; Feb 24, 2026)

Labcorp Genetics (formerly Invitae), Labcorp
Classification: Pathogenic for Seizures, benign familial infantile, 3; Developmental and epileptic encephalopathy, 11. Last evaluated: 2026-01-13. Review status: criteria provided, single submitter. Criteria: Invitae Variant Classification Sherloc (09022015). Collection method: clinical testing. Allele origin: germline. Not counted in ClinVar's aggregate classification.
Comment: This sequence change replaces lysine, which is basic and polar, with glutamine, which is neutral and polar, at codon 156 of the SCN2A protein (p.Lys156Gln). This variant is not present in population databases (gnomAD no frequency). This missense change has been observed in individual(s) with clinical features of SCN2A-related conditions (PMID: 35431799; internal data). In at least one individual the variant was observed to be de novo. ClinVar contains an entry for this variant (Variation ID: 933619). Invitae Evidence Modeling of protein sequence and biophysical properties (such as structural, functional, and spatial information, amino acid conservation, physicochemical variation, residue mobility, and thermodynamic stability) indicates that this missense variant is expected to disrupt SCN2A protein function with a positive predictive value of 95%. For these reasons, this variant has been classified as Pathogenic.

Mayo Clinic Laboratories, Mayo Clinic
Classification: Uncertain significance. Last evaluated: 2019-04-03. Review status: criteria provided, single submitter. Criteria: ACMG Guidelines, 2015. Collection method: clinical testing. Allele origin: germline. Observed: 1 variant allele. Not counted in ClinVar's aggregate classification.

Neurology Department, Shenzhen Children's Hospital
Classification: Pathogenic for Developmental and epileptic encephalopathy. Last evaluated: 2022-02-16. Review status: no assertion criteria provided. Collection method: clinical testing. Allele origin: de novo. Affected: yes. Not counted in ClinVar's aggregate classification.

Literature cited by the submitters: PubMed 35431799 (cited by Labcorp Genetics (formerly Invitae), Labcorp).

NM_001040142.2(SCN2A):c.466A>C (p.Lys156Gln)

Gene: SCN2A (sodium voltage-gated channel alpha subunit 2; plus strand). Cytogenetic location: 2q24.3.
Variant type: single nucleotide variant.
Coding change: c.466A>C on transcript NM_001040142.2 (MANE Select); coding-DNA position 466, A replaced by C.
Protein change: p.Lys156Gln; replaces lysine 156 with glutamine.
Molecular consequence: missense variant.
Genome position (GRCh38, 1-based): chr2:165,307,927, A>C. VCF-style: chr2-165307927-A-C. GRCh37 (hg19) VCF-style: chr2-166164437-A-C.
Other names: NM_001040142.2(SCN2A):c.466A>C; c.466A>C, p.Lys156Gln (NM_001040143.2, NM_001371246.1, NM_001371247.1 and 1 more transcripts); short protein forms K156Q.
Identifiers: ClinVar variation 933619 (VCV000933619.19), dbSNP rs1553567130, ClinGen allele CA349015596.